The following is an entry in ClinVar:

NM_014141.6(CNTNAP2):c.3315G>C (p.Arg1105Ser)

Gene: CNTNAP2 (contactin associated protein 2; plus strand). Cytogenetic location: 7q36.1.
Variant type: single nucleotide variant.
Coding change: c.3315G>C on transcript NM_014141.6 (MANE Select); coding-DNA position 3315, G replaced by C.
Protein change: p.Arg1105Ser; replaces arginine 1105 with serine.
Molecular consequence: missense variant.
Genome position (GRCh38, 1-based): chr7:148,229,713, G>C. VCF-style: chr7-148229713-G-C. GRCh37 (hg19) VCF-style: chr7-147926805-G-C.
Other names: short protein forms R1105S.
Identifiers: ClinVar variation 1469246 (VCV001469246.8), dbSNP rs2116779143, ClinGen allele CA369929702.

ClinVar aggregate classification (germline): Uncertain significance (1 of 4 stars; one submission).

Conditions:
Cortical dysplasia-focal epilepsy syndrome (PTHSL1). Also called: Pitt-Hopkins-like syndrome 1. Identifiers: Orphanet 163681, Orphanet 221150, MedGen C2750246, MONDO:0012400, OMIM 610042.

Submission:

Labcorp Genetics (formerly Invitae), Labcorp
Classification: Uncertain significance for Cortical dysplasia-focal epilepsy syndrome. Last evaluated: 2021-07-12. Review status: criteria provided, single submitter. Criteria: Invitae Variant Classification Sherloc (09022015). Collection method: clinical testing. Allele origin: germline.
Comment: This sequence change replaces arginine with serine at codon 1105 of the CNTNAP2 protein (p.Arg1105Ser). The arginine residue is highly conserved and there is a moderate physicochemical difference between arginine and serine. This variant is not present in population databases (ExAC no frequency). This variant has not been reported in the literature in individuals affected with CNTNAP2-related conditions. Algorithms developed to predict the effect of missense changes on protein structure and function (SIFT, PolyPhen-2, Align-GVGD) all suggest that this variant is likely to be disruptive. In summary, the available evidence is currently insufficient to determine the role of this variant in disease. Therefore, it has been classified as a Variant of Uncertain Significance.